The following is an entry in ClinVar:

ClinVar aggregate classification (germline): Uncertain significance (1 of 4 stars; one submission).

Conditions:
Inborn genetic diseases. Identifiers: MedGen C0950123, MeSH D030342.

Submission:

Ambry Genetics
Classification: Uncertain significance for Inborn genetic diseases. Last evaluated: 2025-12-10. Review status: criteria provided, single submitter. Criteria: Ambry Variant Classification Scheme 2023. Collection method: clinical testing. Allele origin: germline.
Comment: The p.M1028I variant (also known as c.3084G>T), located in coding exon 13 of the BMPR2 gene, results from a G to T substitution at nucleotide position 3084. The methionine at codon 1028 is replaced by isoleucine, an amino acid with highly similar properties. This amino acid position is conserved. In addition, this alteration is predicted to be tolerated by in silico analysis. Based on the available evidence, the clinical significance of this variant remains unclear.

NM_001204.7(BMPR2):c.3084G>T (p.Met1028Ile)

Gene: BMPR2 (bone morphogenetic protein receptor type 2; plus strand). Cytogenetic location: 2q33.2.
Variant type: single nucleotide variant.
Coding change: c.3084G>T on transcript NM_001204.7 (MANE Select); coding-DNA position 3084, G replaced by T.
Protein change: p.Met1028Ile; replaces methionine 1028 with isoleucine.
Molecular consequence: missense variant.
Genome position (GRCh38, 1-based): chr2:202,559,913, G>T. VCF-style: chr2-202559913-G-T. GRCh37 (hg19) VCF-style: chr2-203424636-G-T.
Other names: short protein forms M1028I.
Identifiers: ClinVar variation 4598093 (VCV004598093.1).